The following is an entry in ClinVar:

NM_006796.3(AFG3L2):c.1796G>A (p.Arg599His)

Gene: AFG3L2 (AFG3 like matrix AAA peptidase subunit 2; minus strand). Cytogenetic location: 18p11.21.
Variant type: single nucleotide variant.
Coding change: c.1796G>A on transcript NM_006796.3 (MANE Select); coding-DNA position 1796, G replaced by A.
Protein change: p.Arg599His; replaces arginine 599 with histidine.
Molecular consequence: missense variant.
Genome position (GRCh38, 1-based): chr18:12,340,385, C>T on the plus strand (G>A on the coding strand, the complement: AFG3L2 is on the minus strand). VCF-style: chr18-12340385-C-T. GRCh37 (hg19) VCF-style: chr18-12340384-C-T.
Other names: short protein forms R599H.
Identifiers: ClinVar variation 889094 (VCV000889094.7), dbSNP rs1263405472, ClinGen allele CA401947766.

ClinVar aggregate classification (germline): Uncertain significance. Review status: criteria provided, multiple submitters, no conflicts (2 of 4 stars). 2 submissions from 2 submitters: Uncertain significance (2). Last evaluated 2023-08-27.

Conditions:
Spinocerebellar ataxia type 28 (SCA28). Also called: Spinocerebellar Ataxia Type 28 (SCA28). Identifiers: Orphanet 101109, MedGen C1853249, MONDO:0012450, OMIM 610246.

Allele frequency attached by ClinVar (database versions not stated): TOPMed below 0.00001; gnomAD 0.00001; gnomAD exomes 0.00001.
gnomAD v4.1: 23 of 1,613,738 alleles (0.0014%); highest among the groups gnomAD compares: East Asian, 0.0045%; no homozygotes.

Submissions (2):

Labcorp Genetics (formerly Invitae), Labcorp
Classification: Uncertain significance. Last evaluated: 2023-08-27. Review status: criteria provided, single submitter. Criteria: Invitae Variant Classification Sherloc (09022015). Collection method: clinical testing. Allele origin: germline.
Comment: In summary, the available evidence is currently insufficient to determine the role of this variant in disease. Therefore, it has been classified as a Variant of Uncertain Significance. Advanced modeling of protein sequence and biophysical properties (such as structural, functional, and spatial information, amino acid conservation, physicochemical variation, residue mobility, and thermodynamic stability) performed at Invitae indicates that this missense variant is expected to disrupt AFG3L2 protein function. ClinVar contains an entry for this variant (Variation ID: 889094). This variant has not been reported in the literature in individuals affected with AFG3L2-related conditions. This variant is present in population databases (no rsID available, gnomAD 0.006%). This sequence change replaces arginine, which is basic and polar, with histidine, which is basic and polar, at codon 599 of the AFG3L2 protein (p.Arg599His).

Illumina Laboratory Services, Illumina
Classification: Uncertain significance for Spinocerebellar ataxia type 28. Last evaluated: 2018-01-12. Review status: criteria provided, single submitter. Criteria: ICSL Variant Classification Criteria 13 December 2019. Collection method: clinical testing. Allele origin: germline.